The following is an entry in ClinVar:

NC_000020.10:g.(?_389402)_(746418_?)dup

Genes: SRXN1 (sulfiredoxin 1; minus strand), CSNK2A1 (casein kinase 2 alpha 1; minus strand), RBCK1 (RANBP2-type and C3HC4-type zinc finger containing 1; plus strand), SCRT2 (scratch family transcriptional repressor 2; minus strand), SLC52A3 (solute carrier family 52 member 3; minus strand) and 2 more. Cytogenetic location: 20p13.
Variant type: Duplication.
Identifiers: ClinVar variation 1474791 (VCV001474791.37).

ClinVar aggregate classification (germline): Uncertain significance (1 of 4 stars; one submission).

Submission:

Labcorp Genetics (formerly Invitae), Labcorp
Classification: Uncertain significance. Last evaluated: 2021-12-02. Review status: criteria provided, single submitter. Criteria: Invitae Variant Classification Sherloc (09022015). Collection method: clinical testing. Allele origin: germline.
Comment: A copy number gain of the genomic region encompassing the full coding sequence of the TBC1D20 gene has been identified. The boundaries of this event are unknown as they extend beyond the assayed region for this gene and therefore may encompass additional genes. As the precise location of this event is unknown, it may be in tandem or it may be located elsewhere in the genome. This variant has not been reported in the literature in individuals affected with TBC1D20-related conditions. In summary, the available evidence is currently insufficient to determine the role of this variant in disease. Therefore, it has been classified as a Variant of Uncertain Significance.